The following is an entry in ClinVar:

NM_000170.3(GLDC):c.263A>G (p.Asp88Gly)

Gene: GLDC (glycine decarboxylase; minus strand). Cytogenetic location: 9p24.1.
Variant type: single nucleotide variant.
Coding change: c.263A>G on transcript NM_000170.3 (MANE Select); coding-DNA position 263, A replaced by G.
Protein change: p.Asp88Gly; replaces aspartic acid 88 with glycine.
Molecular consequence: missense variant.
Genome position (GRCh38, 1-based): chr9:6,644,685, T>C on the plus strand (A>G on the coding strand, the complement: GLDC is on the minus strand). VCF-style: chr9-6644685-T-C. GRCh37 (hg19) VCF-style: chr9-6644685-T-C.
Other names: short protein forms D88G.
Identifiers: ClinVar variation 2420348 (VCV002420348.2), dbSNP rs760204566, ClinGen allele CA4981225.

ClinVar aggregate classification (germline): Uncertain significance (1 of 4 stars; one submission).

Conditions:
Glycine encephalopathy. Also called: Nonketotic hyperglycinemia; Non-ketotic hyperglycinemia. Identifiers: Orphanet 407, MedGen C0751748, MONDO:0011612, HP:0008288.

Allele frequency attached by ClinVar (database versions not stated): ExAC 0.00002.
gnomAD v4.1: 9 of 1,611,278 alleles (0.00056%); highest among the groups gnomAD compares: South Asian, 0.0099%; no homozygotes.

Submission:

Labcorp Genetics (formerly Invitae), Labcorp
Classification: Uncertain significance for Glycine encephalopathy. Last evaluated: 2022-08-16. Review status: criteria provided, single submitter. Criteria: Invitae Variant Classification Sherloc (09022015). Collection method: clinical testing. Allele origin: germline.
Comment: This sequence change replaces aspartic acid, which is acidic and polar, with glycine, which is neutral and non-polar, at codon 88 of the GLDC protein (p.Asp88Gly). This variant is present in population databases (rs760204566, gnomAD 0.01%). This variant has not been reported in the literature in individuals affected with GLDC-related conditions. Algorithms developed to predict the effect of missense changes on protein structure and function (SIFT, PolyPhen-2, Align-GVGD) all suggest that this variant is likely to be tolerated. Algorithms developed to predict the effect of sequence changes on RNA splicing suggest that this variant may create or strengthen a splice site. In summary, the available evidence is currently insufficient to determine the role of this variant in disease. Therefore, it has been classified as a Variant of Uncertain Significance.